The following is an entry in ClinVar:

ClinVar aggregate classification (germline): Conflicting classifications of pathogenicity. Review status: criteria provided, conflicting classifications (1 of 4 stars). 2 submissions from 2 submitters: Uncertain significance (1); Likely benign (1). Last evaluated 2025-02-28.

Conditions:
EP300-related disorder. Also called: EP300-related disorders; EP300-related condition.
Rubinstein-Taybi syndrome due to EP300 haploinsufficiency. Also called: EP300-Related Rubinstein-Taybi Syndrome; RUBINSTEIN-TAYBI SYNDROME 2. Identifiers: Orphanet 353284, Orphanet 783, MedGen C3150941, MONDO:0013364, OMIM 613684.

gnomAD v4.1: 9 of 1,614,122 alleles (0.00056%); highest among the groups gnomAD compares: South Asian, 0.0055%; no homozygotes.

Submissions (2):

PreventionGenetics, part of Exact Sciences
Classification: Uncertain significance for EP300-related condition. Last evaluated: 2025-02-28. Review status: criteria provided, single submitter. Criteria: ACMG Guidelines, 2015. Collection method: clinical testing. Allele origin: germline.
Comment: The EP300 c.6425G>A variant is predicted to result in the amino acid substitution p.Arg2142Lys. To our knowledge, this variant has not been reported in the literature. This variant is reported in 0.0065% of alleles in individuals of South Asian descent in gnomAD. At this time, the clinical significance of this variant is uncertain due to the absence of conclusive functional and genetic evidence.

Labcorp Genetics (formerly Invitae), Labcorp
Classification: Likely benign for Rubinstein-Taybi syndrome due to EP300 haploinsufficiency. Last evaluated: 2024-10-16. Review status: criteria provided, single submitter. Criteria: Invitae Variant Classification Sherloc (09022015). Collection method: clinical testing. Allele origin: germline.

NM_001429.4(EP300):c.6425G>A (p.Arg2142Lys)

Gene: EP300 (EP300 lysine acetyltransferase; plus strand). Cytogenetic location: 22q13.2.
Variant type: single nucleotide variant.
Coding change: c.6425G>A on transcript NM_001429.4 (MANE Select); coding-DNA position 6425, G replaced by A.
Protein change: p.Arg2142Lys; replaces arginine 2142 with lysine.
Molecular consequence: missense variant.
Genome position (GRCh38, 1-based): chr22:41,178,136, G>A. VCF-style: chr22-41178136-G-A. GRCh37 (hg19) VCF-style: chr22-41574140-G-A.
Other names: c.6425G>A (NM_001429.3); c.6347G>A, p.Arg2116Lys (NM_001362843.2); short protein forms R2142K, R2116K.
Identifiers: ClinVar variation 3669049 (VCV003669049.3).